The following is an entry in ClinVar:

NM_007118.4(TRIO):c.8896G>A (p.Gly2966Arg)

Gene: TRIO (trio Rho guanine nucleotide exchange factor; plus strand). Cytogenetic location: 5p15.2.
Variant type: single nucleotide variant.
Coding change: c.8896G>A on transcript NM_007118.4 (MANE Select); coding-DNA position 8896, G replaced by A.
Protein change: p.Gly2966Arg; replaces glycine 2966 with arginine.
Molecular consequence: missense variant. On other transcripts: non-coding transcript variant (1).
Genome position (GRCh38, 1-based): chr5:14,508,024, G>A. VCF-style: chr5-14508024-G-A. GRCh37 (hg19) VCF-style: chr5-14508133-G-A.
Other names: short protein forms G2966R.
Identifiers: ClinVar variation 3461691 (VCV003461691.2).
Genomic context (GRCh38, chr5:14,508,024, plus strand): 5'-ACCTACTACATCCACCAGTTACTGGGGAACCCTGAATTCGCAGCCCCTGAAATCATCCTC[G>A]GGAACCCTGTCTCCCTGACCTCGGATACGTGGAGTGTTGGAGTGCTCACATACGTACTTC-3'
Protein context (NP_009049.2, residues 2956-2976): PEFAAPEIIL[Gly2966Arg]NPVSLTSDTW

ClinVar aggregate classification (germline): Uncertain significance. Review status: criteria provided, multiple submitters, no conflicts (2 of 4 stars). 2 submissions from 2 submitters: Uncertain significance (2). Last evaluated 2024-10-08.

Conditions:
Inborn genetic diseases. Identifiers: MedGen C0950123, MeSH D030342.

gnomAD v4.1: 8 of 1,614,178 alleles (0.0005%); highest among the groups gnomAD compares: South Asian, 0.0022%; no homozygotes.

Submissions (2):

GeneDx
Classification: Uncertain significance. Last evaluated: 2024-10-08. Review status: criteria provided, single submitter. Criteria: GeneDx Variant Classification Process June 2021. Collection method: clinical testing. Allele origin: germline. Affected: yes.
Comment: In silico analysis supports that this missense variant has a deleterious effect on protein structure/function; Has not been previously published as pathogenic or benign to our knowledge

Ambry Genetics
Classification: Uncertain significance for Inborn genetic diseases. Last evaluated: 2024-08-20. Review status: criteria provided, single submitter. Criteria: Ambry Variant Classification Scheme 2023. Collection method: clinical testing. Allele origin: germline.